The following is an entry in ClinVar:

ClinVar aggregate classification (germline): Conflicting classifications of pathogenicity. Review status: criteria provided, conflicting classifications (1 of 4 stars). 3 submissions from 3 submitters: Uncertain significance (2); Likely benign (1). Last evaluated 2025-12-16.

Conditions:
Inborn genetic diseases. Identifiers: MedGen C0950123, MeSH D030342.

Allele frequency attached by ClinVar (database versions not stated): gnomAD exomes 0.00002 and 0.00005; ExAC 0.00010; 1000 Genomes Project 30x 0.00016; 1000 Genomes Project 0.00020; gnomAD 0.00025 and 0.00027; ESP Exome Variant Server 0.00031; TOPMed 0.00036.
gnomAD v4.1: 67 of 1,614,022 alleles (0.0042%); highest among the groups gnomAD compares: African/African-American, 0.079%; no homozygotes.

Submissions (3):

Labcorp Genetics (formerly Invitae), Labcorp
Classification: Likely benign. Last evaluated: 2025-12-16. Review status: criteria provided, single submitter. Criteria: Invitae Variant Classification Sherloc (09022015). Collection method: clinical testing. Allele origin: germline.

Ambry Genetics
Classification: Uncertain significance for Inborn genetic diseases. Last evaluated: 2024-03-01. Review status: criteria provided, single submitter. Criteria: Ambry Variant Classification Scheme 2023. Collection method: clinical testing. Allele origin: germline.

GeneDx
Classification: Uncertain significance. Last evaluated: 2022-09-21. Review status: criteria provided, single submitter. Criteria: GeneDx Variant Classification Process June 2021. Collection method: clinical testing. Allele origin: germline. Affected: yes.
Comment: See Variant Classification Assertion Criteria.

NM_014049.5(ACAD9):c.1666A>G (p.Ile556Val)

Genes: ACAD9 (acyl-CoA dehydrogenase family member 9; plus strand), CFAP92 (cilia and flagella associated protein 92 (putative); minus strand). Cytogenetic location: 3q21.3.
Variant type: single nucleotide variant.
Coding change: c.1666A>G on transcript NM_014049.5 (MANE Select); coding-DNA position 1666, A replaced by G.
Protein change: p.Ile556Val; replaces isoleucine 556 with valine.
Molecular consequence: missense variant. On other transcripts: non-coding transcript variant (1), 3 prime UTR variant (3).
Genome position (GRCh38, 1-based): chr3:128,910,123, A>G. VCF-style: chr3-128910123-A-G. GRCh37 (hg19) VCF-style: chr3-128628966-A-G.
Other names: p.I556V:ATT>GTT; c.1297A>G, p.Ile433Val (NM_001410805.1); c.*176T>C (NM_001348520.2, NM_001348521.2, NM_001394090.1); short protein forms I556V, I433V.
Identifiers: ClinVar variation 213992 (VCV000213992.13), dbSNP rs374356084, ClinGen allele CA321176.
Genomic context (GRCh38, chr3:128,910,123, plus strand): 5'-ATCCTCATCAACCTGTATGGCATGACGGCCGTGCTGTCGCGGGCCAGCCGCTCCATCCGC[A>G]TTGGGCTCCGCAACCACGACCACGAGGTGAGCCCAGCCCAGCCTCACACAGGGCCTGGCT-3'
Protein context (NP_054768.2, residues 546-566): VLSRASRSIR[Ile556Val]GLRNHDHEVL